The following is an entry in ClinVar:

ClinVar aggregate classification (germline): Likely benign. Review status: criteria provided, multiple submitters, no conflicts (2 of 4 stars). 4 submissions from 4 submitters: Likely benign (3). 1 of the submissions does not count toward it. Last evaluated 2026-01-01.

Conditions:
CHD3-related disorder. Also called: CHD3-related condition.
Inborn genetic diseases. Identifiers: MedGen C0950123, MeSH D030342.

Allele frequency attached by ClinVar (database versions not stated): ESP Exome Variant Server 0.00015; gnomAD 0.00015; ExAC 0.00017; TOPMed 0.00020.
gnomAD v4.1: 254 of 1,614,060 alleles (0.016%); highest among the groups gnomAD compares: Middle Eastern, 0.12%; 2 homozygotes.

Submissions (4):

CeGaT Center for Human Genetics Tuebingen
Classification: Likely benign. Last evaluated: 2026-01-01. Review status: criteria provided, single submitter. Criteria: CeGaT Center For Human Genetics Tuebingen Variant Classification Criteria Version 2. Collection method: clinical testing. Allele origin: germline. Affected: yes. Observed: 2 variant alleles.
Comment: CHD3: BS2

Blueprint Genetics
Classification: Likely benign. Last evaluated: 2024-09-10. Review status: criteria provided, single submitter. Criteria: ACMG Guidelines, 2015. Collection method: clinical testing. Allele origin: germline.

Ambry Genetics
Classification: Likely benign for Inborn genetic diseases. Last evaluated: 2021-06-25. Review status: criteria provided, single submitter. Criteria: Ambry Variant Classification Scheme 2023. Collection method: clinical testing. Allele origin: germline.

PreventionGenetics, part of Exact Sciences
Classification: Likely benign for CHD3-related condition. Last evaluated: 2022-10-04. Review status: no assertion criteria provided. Collection method: clinical testing. Allele origin: germline. Not counted in ClinVar's aggregate classification.
Comment: This variant is classified as likely benign based on ACMG/AMP sequence variant interpretation guidelines (Richards et al. 2015 PMID: 25741868, with internal and published modifications).

NM_001005273.3(CHD3):c.977T>A (p.Leu326Gln)

Genes: CHD3 (chromodomain helicase DNA binding protein 3; plus strand), LOC126862484 (CDK7 strongly-dependent group 2 enhancer GRCh37_chr17:7797066-7798265; plus strand). Cytogenetic location: 17p13.1.
Variant type: single nucleotide variant.
Coding change: c.977T>A on transcript NM_001005273.3 (MANE Select); coding-DNA position 977, T replaced by A.
Protein change: p.Leu326Gln; replaces leucine 326 with glutamine.
Molecular consequence: missense variant.
Genome position (GRCh38, 1-based): chr17:7,894,167, T>A. VCF-style: chr17-7894167-T-A. GRCh37 (hg19) VCF-style: chr17-7797485-T-A.
Other names: c.1154T>A, p.Leu385Gln (NM_001005271.3); c.977T>A, p.Leu326Gln (NM_005852.4); short protein forms L385Q, L326Q.
Identifiers: ClinVar variation 2241299 (VCV002241299.18), dbSNP rs372355101, ClinGen allele CA8362551.